The following is an entry in ClinVar:

NM_000548.5(TSC2):c.1196A>T (p.Glu399Val)

Gene: TSC2 (TSC complex subunit 2; plus strand). Cytogenetic location: 16p13.3.
Variant type: single nucleotide variant.
Coding change: c.1196A>T on transcript NM_000548.5 (MANE Select); coding-DNA position 1196, A replaced by T.
Protein change: p.Glu399Val; replaces glutamic acid 399 with valine.
Molecular consequence: missense variant. On other transcripts: 5 prime UTR variant (10), non-coding transcript variant (5).
Genome position (GRCh38, 1-based): chr16:2,061,947, A>T. VCF-style: chr16-2061947-A-T. GRCh37 (hg19) VCF-style: chr16-2111948-A-T.
Other names: c.1196A>T, p.Glu399Val (NM_001077183.3, NM_001114382.3, NM_001363528.2 and 6 more transcripts); c.1085A>T, p.Glu362Val (NM_001318827.2, NM_001406670.1, NM_001406678.1); c.1049A>T, p.Glu350Val (NM_001318829.2, NM_001406675.1, NM_001406676.1 and 1 more transcripts); c.596A>T, p.Glu199Val (NM_001318831.2, NM_001406680.1, NM_001406682.1 and 6 more transcripts); c.1229A>T, p.Glu410Val (NM_001318832.2); c.1286A>T, p.Glu429Val (NM_001406667.1, NM_001406668.1); c.1184A>T, p.Glu395Val (NM_001406671.1, NM_001406673.1); c.1139A>T, p.Glu380Val (NM_001406677.1); and 4 more; short protein forms E199V, E245V, E350V, E362V, E380V, E395V, E399V, E410V.
Identifiers: ClinVar variation 3232074 (VCV003232074.1), dbSNP rs2548537750, ClinGen allele CA394320724.

ClinVar aggregate classification (germline): Uncertain significance (1 of 4 stars; one submission).

Conditions:
Hereditary cancer-predisposing syndrome. Also called: Neoplastic Syndromes, Hereditary; Tumor predisposition; Hereditary neoplastic syndrome; Hereditary Cancer Syndrome. Identifiers: Orphanet 140162, MedGen C0027672, MeSH D009386, MONDO:0015356.

Submission:

Ambry Genetics
Classification: Uncertain significance for Hereditary cancer-predisposing syndrome. Last evaluated: 2023-10-26. Review status: criteria provided, single submitter. Criteria: Ambry Variant Classification Scheme 2023. Collection method: clinical testing. Allele origin: germline.
Comment: The p.E399V variant (also known as c.1196A>T), located in coding exon 11 of the TSC2 gene, results from an A to T substitution at nucleotide position 1196. The glutamic acid at codon 399 is replaced by valine, an amino acid with dissimilar properties. This amino acid position is not well conserved in available vertebrate species. In addition, the in silico prediction for this alteration is inconclusive. Since supporting evidence is limited at this time, the clinical significance of this alteration remains unclear.